The following is an entry in ClinVar:

NM_014363.6(SACS):c.1525A>G (p.Ile509Val)

Gene: SACS (sacsin molecular chaperone; minus strand). Cytogenetic location: 13q12.12.
Variant type: single nucleotide variant.
Coding change: c.1525A>G on transcript NM_014363.6 (MANE Select); coding-DNA position 1525, A replaced by G.
Protein change: p.Ile509Val; replaces isoleucine 509 with valine.
Molecular consequence: missense variant.
Genome position (GRCh38, 1-based): chr13:23,355,087, T>C on the plus strand (A>G on the coding strand, the complement: SACS is on the minus strand). VCF-style: chr13-23355087-T-C. GRCh37 (hg19) VCF-style: chr13-23929226-T-C.
Other names: c.1084A>G, p.Ile362Val (NM_001278055.2); short protein forms I509V, I362V.
Identifiers: ClinVar variation 579384 (VCV000579384.8), dbSNP rs1566080067, ClinGen allele CA387547994.

ClinVar aggregate classification (germline): Uncertain significance (1 of 4 stars; one submission).

Conditions:
Spastic paraplegia. Identifiers: MedGen C0037772, HP:0001258.

Allele frequency attached by ClinVar (database versions not stated): TOPMed below 0.00001.

Submission:

Labcorp Genetics (formerly Invitae), Labcorp
Classification: Uncertain significance for Spastic paraplegia. Last evaluated: 2020-04-07. Review status: criteria provided, single submitter. Criteria: Invitae Variant Classification Sherloc (09022015). Collection method: clinical testing. Allele origin: germline.
Comment: This variant has not been reported in the literature in individuals with SACS-related conditions. ClinVar contains an entry for this variant (Variation ID: 579384). In summary, the available evidence is currently insufficient to determine the role of this variant in disease. Therefore, it has been classified as a Variant of Uncertain Significance. Algorithms developed to predict the effect of missense changes on protein structure and function output the following: SIFT: "Deleterious"; PolyPhen-2: "Benign"; Align-GVGD: "Class C0". The valine amino acid residue is found in multiple mammalian species, suggesting that this missense change does not adversely affect protein function. These predictions have not been confirmed by published functional studies and their clinical significance is uncertain. This variant is not present in population databases (ExAC no frequency). This sequence change replaces isoleucine with valine at codon 509 of the SACS protein (p.Ile509Val). The isoleucine residue is highly conserved and there is a small physicochemical difference between isoleucine and valine.